The following is an entry in ClinVar:

ClinVar aggregate classification (germline): Uncertain significance. Review status: criteria provided, multiple submitters, no conflicts (2 of 4 stars). 4 submissions from 4 submitters: Uncertain significance (4). Last evaluated 2026-08-18.

Conditions:
Hypophosphatasia. Also called: Phosphoethanol-aminuria. Identifiers: Orphanet 436, MedGen C0020630, MeSH D007014, MONDO:0018570.
Inborn genetic diseases. Identifiers: MedGen C0950123, MeSH D030342.

Submissions (4):

Ambry Genetics
Classification: Uncertain significance for Inborn genetic diseases. Last evaluated: 2026-08-18. Review status: criteria provided, single submitter. Criteria: Ambry Variant Classification Scheme 2023. Collection method: clinical testing. Allele origin: germline.

JKU Lab, Dept of Paediatrics, Johannes Kepler University
Classification: Uncertain significance for Hypophosphatasia. Last evaluated: 2026-02-12. Review status: criteria provided, single submitter. Criteria: ACMG Guidelines, 2015. Collection method: curation, in vitro. Allele origin: germline, not applicable. Functional consequence: function uncertain.
Comment: This missense variant is not present in GnomAD 4.1 and affects a highly conserved amino acid, not in a functional domain. The variant is predicted to affect protein function (REVEL score: 0.723). Splice-prediction algorithms predict no effect on splicing. In vitro functional studies showed elevated ALP activity without a dominant negative effect. This variant has not been reported in the literature in individuals affected by ALPL-related conditions. The results of the functional testing and the applied ACMG criteria can be viewed at an online resource

Women's Health and Genetics/Laboratory Corporation of America, LabCorp
Classification: Uncertain significance. Last evaluated: 2024-04-25. Review status: criteria provided, single submitter. Criteria: LabCorp Variant Classification Summary - May 2015. Collection method: clinical testing. Allele origin: germline.
Comment: Variant summary: ALPL c.439G>A (p.Val147Ile) results in a conservative amino acid change in the encoded protein sequence. Three of five in-silico tools predict a damaging effect of the variant on protein function. The variant was absent in 250244 control chromosomes. The available data on variant occurrences in the general population are insufficient to allow any conclusion about variant significance. To our knowledge, no occurrence of c.439G>A in individuals affected with Hypophosphatasia and no experimental evidence demonstrating its impact on protein function have been reported. No submitters have cited clinical-significance assessments for this variant to ClinVar. Based on the evidence outlined above, the variant was classified as uncertain significance.

Labcorp Genetics (formerly Invitae), Labcorp
Classification: Uncertain significance. Last evaluated: 2024-04-09. Review status: criteria provided, single submitter. Criteria: Invitae Variant Classification Sherloc (09022015). Collection method: clinical testing. Allele origin: germline.
Comment: This sequence change replaces valine, which is neutral and non-polar, with isoleucine, which is neutral and non-polar, at codon 147 of the ALPL protein (p.Val147Ile). This variant is not present in population databases (gnomAD no frequency). This variant has not been reported in the literature in individuals affected with ALPL-related conditions. Advanced modeling of protein sequence and biophysical properties (such as structural, functional, and spatial information, amino acid conservation, physicochemical variation, residue mobility, and thermodynamic stability) performed at Invitae indicates that this missense variant is expected to disrupt ALPL protein function with a positive predictive value of 95%. In summary, the available evidence is currently insufficient to determine the role of this variant in disease. Therefore, it has been classified as a Variant of Uncertain Significance.

NM_000478.6(ALPL):c.439G>A (p.Val147Ile)

Gene: ALPL (alkaline phosphatase, biomineralization associated; plus strand). Cytogenetic location: 1p36.12.
Variant type: single nucleotide variant.
Coding change: c.439G>A on transcript NM_000478.6 (MANE Select); coding-DNA position 439, G replaced by A.
Protein change: p.Val147Ile; replaces valine 147 with isoleucine.
Molecular consequence: missense variant.
Genome position (GRCh38, 1-based): chr1:21,563,251, G>A. VCF-style: chr1-21563251-G-A. GRCh37 (hg19) VCF-style: chr1-21889744-G-A.
Other names: c.274G>A, p.Val92Ile (NM_001127501.4); c.208G>A, p.Val70Ile (NM_001177520.3); c.439G>A, p.Val147Ile (NM_001369803.2, NM_001369804.2, NM_001369805.2); c.439G>A (NM_000478.4); short protein forms V147I, V70I, V92I.
Identifiers: ClinVar variation 3251702 (VCV003251702.5), dbSNP rs2545299695.